The following is an entry in ClinVar:

ClinVar aggregate classification (germline): Uncertain significance (1 of 4 stars; one submission).

Conditions:
Niemann-Pick disease, type C2 (NPC2). Identifiers: Orphanet 646, MedGen C1843366, MONDO:0011873, OMIM 607625.

gnomAD v4.1: 1 of 1,613,848 alleles (0.000062%); no homozygotes.

Submission:

Myriad Genetics, Inc.
Classification: Uncertain significance for Niemann-Pick disease, type C2. Last evaluated: 2026-07-21. Review status: criteria provided, single submitter. Criteria: Myriad Autosomal Dominant, Autosomal Recessive and X-Linked Classification Criteria (2023). Collection method: clinical testing. Allele origin: unknown.
Comment: NM_006432.3(NPC2):c.363+6T>G is an intronic variant classified as a variant of uncertain significance in the context of Niemann-Pick disease type C2. c.363+6T>G has been observed in a case with relevant disease (PMID: 26981555). Relevant functional assessments of this variant are not available in the literature. c.363+6T>G has not been observed in referenced population frequency databases. In summary, there is insufficient evidence to classify NM_006432.3(NPC2):c.363+6T>G as pathogenic or benign. Please note: this variant was assessed in the context of healthy population screening.

Literature cited by the submitters: PubMed 26981555.

NM_006432.5(NPC2):c.363+6T>G

Gene: NPC2 (NPC intracellular cholesterol transporter 2; minus strand). Cytogenetic location: 14q24.3.
Variant type: single nucleotide variant.
Coding change: c.363+6T>G on transcript NM_006432.5 (MANE Select); 6 bases into the intron after coding-DNA position 363, T replaced by G.
Molecular consequence: intron variant.
Genome position (GRCh38, 1-based): chr14:74,484,409, A>C on the plus strand (T>G on the coding strand, the complement: NPC2 is on the minus strand). VCF-style: chr14-74484409-A-C. GRCh37 (hg19) VCF-style: chr14-74951112-A-C.
Other names: c.363+6T>G (NM_001363688.1, NM_001375440.1).
Identifiers: ClinVar variation 5003303 (VCV005003303.1).
Genomic context (GRCh38, chr14:74,484,409, plus strand): 5'-CCACTGCCCTCAGAACTCTAATCCAGTCCCAAGGCCTCCCGTGTCCTCAATAATGGTATC[A>C]CTTACAGAGGGATATTCGCTTTTCACTGGTAGTTTATTCAGGTAGCTATAGGTCTTGTCT-3'